The following is an entry in ClinVar:

NM_000245.4(MET):c.3474A>G (p.Pro1158=)

Gene: MET (MET proto-oncogene, receptor tyrosine kinase; plus strand). Cytogenetic location: 7q31.2.
Variant type: single nucleotide variant.
Coding change: c.3474A>G on transcript NM_000245.4 (MANE Select); coding-DNA position 3474, A replaced by G.
Protein change: p.Pro1158=; no amino-acid change (proline 1158 retained).
Molecular consequence: synonymous variant.
Genome position (GRCh38, 1-based): chr7:116,778,909, A>G. VCF-style: chr7-116778909-A-G. GRCh37 (hg19) VCF-style: chr7-116418963-A-G.
Other names: c.3528A>G (LRG_662t1, NM_001127500.2); c.3528A>G, p.Pro1176= (NM_001127500.3); c.2184A>G, p.Pro728= (NM_001324402.2).
Identifiers: ClinVar variation 416928 (VCV000416928.18), dbSNP rs200659843, ClinGen allele CA4448728.
Genomic context (GRCh38, chr7:116,778,909, plus strand): 5'-TGTCCTCTCGCTCCTGGGAATCTGCCTGCGAAGTGAAGGGTCTCCGCTGGTGGTCCTACC[A>G]TACATGAAACATGGAGATCTTCGAAATTTCATTCGAAATGAGACTCATGTAAGTTGACTG-3'
Protein context (NP_000236.2, residues 1148-1168): RSEGSPLVVL[Pro1158=]YMKHGDLRNF

ClinVar aggregate classification (germline): Benign/Likely benign. Review status: criteria provided, multiple submitters, no conflicts (2 of 4 stars). 5 submissions from 5 submitters: Benign (2); Likely benign (3). Last evaluated 2026-02-03.

Conditions:
Hereditary cancer-predisposing syndrome. Also called: Tumor predisposition; Hereditary Cancer Syndrome; Hereditary neoplastic syndrome; Neoplastic Syndromes, Hereditary. Identifiers: Orphanet 140162, MedGen C0027672, MeSH D009386, MONDO:0015356.
Renal cell carcinoma. Identifiers: Orphanet 217071, MedGen C0007134, MeSH D002292, MONDO:0005086, HP:0005584.
Papillary renal cell carcinoma type 1 (RCCP1). Also called: RENAL CELL CARCINOMA, PAPILLARY, 1, SOMATIC; Renal adenocarcinoma; Renal cell carcinoma 1; Renal cell carcinoma, somatic. Identifiers: Orphanet 47044, MedGen C1336839, OMIM 605074, HP:0011797.

Allele frequency attached by ClinVar (database versions not stated): gnomAD 0.00001; TOPMed 0.00001; ExAC 0.00002; gnomAD exomes 0.00002.
gnomAD v4.1: 21 of 1,613,934 alleles (0.0013%); highest among the groups gnomAD compares: Middle Eastern, 0.099%; no homozygotes.

Submissions (5):

Labcorp Genetics (formerly Invitae), Labcorp
Classification: Likely benign for Renal cell carcinoma. Last evaluated: 2026-02-03. Review status: criteria provided, single submitter. Criteria: Invitae Variant Classification Sherloc (09022015). Collection method: clinical testing. Allele origin: germline.

KCCC/NGS Laboratory, Kuwait Cancer Control Center
Classification: Benign for Papillary renal cell carcinoma type 1. Last evaluated: 2025-02-01. Review status: criteria provided, single submitter. Criteria: ACMG Guidelines, 2015. Collection method: clinical testing. Allele origin: germline. Affected: no.

Myriad Genetics, Inc.
Classification: Benign for Papillary renal cell carcinoma type 1. Last evaluated: 2024-11-13. Review status: criteria provided, single submitter. Criteria: Myriad Autosomal Dominant, Autosomal Recessive and X-Linked Classification Criteria (2023). Collection method: clinical testing. Allele origin: unknown.
Comment: This variant is considered benign. This variant is a silent/synonymous amino acid change and it is not expected to impact splicing.

Blueprint Genetics
Classification: Likely benign. Last evaluated: 2023-08-22. Review status: criteria provided, single submitter. Criteria: ACMG Guidelines, 2015. Collection method: clinical testing. Allele origin: germline.

Ambry Genetics
Classification: Likely benign for Hereditary cancer-predisposing syndrome. Last evaluated: 2015-01-28. Review status: criteria provided, single submitter. Criteria: Ambry Variant Classification Scheme 2023. Collection method: clinical testing. Allele origin: germline.